The following is an entry in ClinVar:

ClinVar aggregate classification (germline): Uncertain significance (1 of 4 stars; one submission).

Submission:

Ambry Genetics
Classification: Uncertain significance. Last evaluated: 2024-05-22. Review status: criteria provided, single submitter. Criteria: Ambry Variant Classification Scheme 2023. Collection method: clinical testing. Allele origin: germline.
Comment: The p.T258A variant (also known as c.772A>G), located in coding exon 2 of the TERF2IP gene, results from an A to G substitution at nucleotide position 772. The threonine at codon 258 is replaced by alanine, an amino acid with similar properties. This amino acid position is conserved. In addition, this alteration is predicted to be tolerated by in silico analysis. Based on the available evidence, the clinical significance of this variant remains unclear.

NM_018975.4(TERF2IP):c.772A>G (p.Thr258Ala)

Gene: TERF2IP (TERF2 interacting protein; plus strand). Cytogenetic location: 16q23.1.
Variant type: single nucleotide variant.
Coding change: c.772A>G on transcript NM_018975.4 (MANE Select); coding-DNA position 772, A replaced by G.
Protein change: p.Thr258Ala; replaces threonine 258 with alanine.
Molecular consequence: missense variant. On other transcripts: non-coding transcript variant (1).
Genome position (GRCh38, 1-based): chr16:75,654,374, A>G. VCF-style: chr16-75654374-A-G. GRCh37 (hg19) VCF-style: chr16-75688272-A-G.
Other names: short protein forms T258A.
Identifiers: ClinVar variation 3325461 (VCV003325461.1).